The following is an entry in ClinVar:

NM_000485.3(APRT):c.322-4C>A

Gene: APRT (adenine phosphoribosyltransferase; minus strand). Cytogenetic location: 16q24.3.
Variant type: single nucleotide variant.
Coding change: c.322-4C>A on transcript NM_000485.3 (MANE Select); 4 bases into the intron before coding-DNA position 322, C replaced by A.
Molecular consequence: intron variant.
Genome position (GRCh38, 1-based): chr16:88,810,152, G>T on the plus strand (C>A on the coding strand, the complement: APRT is on the minus strand). VCF-style: chr16-88810152-G-T. GRCh37 (hg19) VCF-style: chr16-88876560-G-T.
Other names: c.322-4C>A (NM_001030018.2).
Identifiers: ClinVar variation 5002199 (VCV005002199.1).

ClinVar aggregate classification (germline): Likely benign (1 of 4 stars; one submission).

Conditions:
APRT-related disorder. Also called: APRT-related condition.

gnomAD v4.1: 3 of 1,612,702 alleles (0.00019%); highest among the groups gnomAD compares: Non-Finnish European, 0.00017%; no homozygotes.

Submission:

PreventionGenetics, part of Exact Sciences
Classification: Likely benign for APRT-related condition. Last evaluated: 2025-01-15. Review status: criteria provided, single submitter. Criteria: ACMG Guidelines, 2015. Collection method: clinical testing. Allele origin: germline.
Comment: This variant is classified as likely benign based on ACMG/AMP sequence variant interpretation guidelines (Richards et al. 2015 PMID: 25741868, with internal and published modifications).